The following is an entry in ClinVar:

NM_000316.3(PTH1R):c.1047C>T (p.Thr349=)

Gene: PTH1R (parathyroid hormone 1 receptor; plus strand). Cytogenetic location: 3p21.31.
Variant type: single nucleotide variant.
Coding change: c.1047C>T on transcript NM_000316.3 (MANE Select); coding-DNA position 1047, C replaced by T.
Protein change: p.Thr349=; no amino-acid change (threonine 349 retained).
Molecular consequence: synonymous variant.
Genome position (GRCh38, 1-based): chr3:46,901,083, C>T. VCF-style: chr3-46901083-C-T. GRCh37 (hg19) VCF-style: chr3-46942573-C-T.
Other names: c.1047C>T, p.Thr349= (NM_001184744.1).
Identifiers: ClinVar variation 3362840 (VCV003362840.4).

ClinVar aggregate classification (germline): Conflicting classifications of pathogenicity. Review status: criteria provided, conflicting classifications (1 of 4 stars). 2 submissions from 2 submitters: Uncertain significance (1); Likely benign (1). Last evaluated 2025-08-19.

Conditions:
Metaphyseal chondrodysplasia, Jansen type. Also called: PTH1R-Related Jansen Metaphyseal Chondrodysplasia; Metaphyseal chondrodysplasia Murk Jansen type. Identifiers: Orphanet 33067, MedGen C0265295, MONDO:0007982, OMIM 156400.

gnomAD v4.1: 17 of 1,575,722 alleles (0.0011%); highest among the groups gnomAD compares: Middle Eastern, 0.017%; no homozygotes.

Submissions (2):

Labcorp Genetics (formerly Invitae), Labcorp
Classification: Likely benign. Last evaluated: 2025-08-19. Review status: criteria provided, single submitter. Criteria: Invitae Variant Classification Sherloc (09022015). Collection method: clinical testing. Allele origin: germline.

Neuberg Centre For Genomic Medicine, NCGM
Classification: Uncertain significance for Metaphyseal chondrodysplasia, Jansen type. Review status: criteria provided, single submitter. Criteria: ACMG Guidelines, 2015. Collection method: clinical testing. Allele origin: germline. Inheritance: Autosomal recessive inheritance. Affected: yes.
Comment: The splice region synonymous c.1047C>T (p.Thr349) variant in PTH1R gene has not been reported previously as a pathogenic variant nor as a benign variant, to our knowledge. The p.Thr349 variant is present with allele frequency of 0.0005% in gnomAD Exomes. This variant has not been submitted to the ClinVar database. The splice AI predicts a score of 0.06 for this variant. However, additional functional studies will be required to prove the pathogenicity of this variant. For these reasons, this variant has been classified as Variant of Uncertain Significance (VUS).